The following is an entry in ClinVar:

NM_000143.4(FH):c.32_69del (p.Ser11fs)

Gene: FH (fumarate hydratase; minus strand). Cytogenetic location: 1q43.
Variant type: Deletion.
Coding change: c.32_69del on transcript NM_000143.4 (MANE Select); coding-DNA positions 32 to 69, 38 bases deleted.
Protein change: p.Ser11fs; shifts the reading frame from serine 11.
Molecular consequence: frameshift variant.
Genome position (GRCh38, 1-based): chr1:241,519,654-241,519,691, 38 bases deleted; deleting any 38 consecutive bases within chr1:241,519,654-241,519,694 gives the same sequence; the c. name uses the placement nearest the transcript's 3' end. GRCh37 (hg19): chr1:241,682,957-241,682,994.
Other names: short protein forms S11fs.
Identifiers: ClinVar variation 1076451 (VCV001076451.9), dbSNP rs2147926966, ClinGen allele CA2499214642.

ClinVar aggregate classification (germline): Pathogenic (1 of 4 stars; one submission).

Submission:

Labcorp Genetics (formerly Invitae), Labcorp
Classification: Pathogenic. Last evaluated: 2021-05-07. Review status: criteria provided, single submitter. Criteria: Invitae Variant Classification Sherloc (09022015). Collection method: clinical testing. Allele origin: germline.
Comment: For these reasons, this variant has been classified as Pathogenic for autosomal recessive fumarate hydratase deficiency. However, this variant is not likely to confer risk for autosomal dominant hereditary leiomyomatosis and renal cell cancer. This sequence change creates a premature translational stop signal (p.Ser11Phefs*32) in the FH gene. It is expected to result in an absent or disrupted protein product. Loss-of-function variants in FH are known to be pathogenic (PMID: 11865300, 21398687). This variant is not present in population databases (ExAC no frequency). This variant has not been reported in the literature in individuals with FH-related conditions. The mature human fumarate hydratase (FH) protein is localized in the mitochondrial matrix, where it plays an essential role in cell respiration as part of the tricarboxylic acid (TCA) cycle. The FH protein is also found in the cytosolic compartment, where it functions as a tumor suppressor (PMID: 21929734). Within the first exon of the FH gene there are two in-frame initiator methionines, Met1 and Met44, with the mitochondrial targeting sequence (MTS) lying between these two translational start sites. Experimental studies have shown that the two FH protein echoforms arise from separate mRNA transcripts derived by alternative transcriptional initiation, which are translated and localized to either the mitochondria or cytosol based on initiation from Met1 or Met44, respectively (PMID: 27037871). This variant likely disrupts the MTS and therefore the mitochondrial-localized FH protein, while not altering the cytosol-localized protein, thereby preserving the tumor suppressor function of FH.

Literature cited by the submitters: PubMed 11865300; PubMed 21398687; PubMed 21929734; PubMed 27037871.